The following is an entry in ClinVar:

NM_130384.3(ATRIP):c.1790A>G (p.Glu597Gly)

Genes: ATRIP (ATR interacting protein; plus strand), ATRIP-TREX1 (ATRIP-TREX1 readthrough; plus strand). Cytogenetic location: 3p21.31.
Variant type: single nucleotide variant.
Coding change: c.1790A>G on transcript NM_130384.3 (MANE Select); coding-DNA position 1790, A replaced by G.
Protein change: p.Glu597Gly; replaces glutamic acid 597 with glycine.
Molecular consequence: missense variant. On other transcripts: non-coding transcript variant (1).
Genome position (GRCh38, 1-based): chr3:48,463,789, A>G. VCF-style: chr3-48463789-A-G. GRCh37 (hg19) VCF-style: chr3-48505188-A-G.
Other names: c.1409A>G, p.Glu470Gly (NM_001271022.2); c.1511A>G, p.Glu504Gly (NM_001271023.2); c.1790A>G, p.Glu597Gly (NM_032166.4); short protein forms E597G, E504G, E470G.
Identifiers: ClinVar variation 4181796 (VCV004181796.1).

ClinVar aggregate classification (germline): Uncertain significance (1 of 4 stars; one submission).

gnomAD v4.1: 1 of 1,614,140 alleles (0.000062%); highest among the groups gnomAD compares: East Asian, 0.0022%; no homozygotes.

Submission:

Ambry Genetics
Classification: Uncertain significance. Last evaluated: 2025-06-17. Review status: criteria provided, single submitter. Criteria: Ambry Variant Classification Scheme 2023. Collection method: clinical testing. Allele origin: germline.
Comment: The p.E597G variant (also known as c.1790A>G), located in coding exon 9 of the ATRIP gene, results from an A to G substitution at nucleotide position 1790. The glutamic acid at codon 597 is replaced by glycine, an amino acid with similar properties. This amino acid position is conserved. In addition, this alteration is predicted to be tolerated by in silico analysis. Based on the available evidence, the clinical significance of this variant remains unclear.